The following is an entry in ClinVar:

NM_021922.3(FANCE):c.1509C>T (p.Asn503=)

Gene: FANCE (FA complementation group E; plus strand). Cytogenetic location: 6p21.31.
Variant type: single nucleotide variant.
Coding change: c.1509C>T on transcript NM_021922.3 (MANE Select); coding-DNA position 1509, C replaced by T.
Protein change: p.Asn503=; no amino-acid change (asparagine 503 retained).
Molecular consequence: synonymous variant.
Genome position (GRCh38, 1-based): chr6:35,462,914, C>T. VCF-style: chr6-35462914-C-T. GRCh37 (hg19) VCF-style: chr6-35430691-C-T.
Identifiers: ClinVar variation 134344 (VCV000134344.17), dbSNP rs147166240, ClinGen allele CA159557.
Genomic context (GRCh38, chr6:35,462,914, plus strand): 5'-CACCACCTCCATGGCCTATGCCAAGCTCATGCTGACAGTGATGACCAAGTATCAGGCTAA[C>T]GTGAGTATTGATAGGGCCTTGGGGCTGGTCCTGCTGGCAGGGCTGCCCTGGGCCTGCCAC-3'
Protein context (NP_068741.1, residues 493-513): MLTVMTKYQA[Asn503=]ITETQRLGLA

ClinVar aggregate classification (germline): Benign/Likely benign. Review status: criteria provided, multiple submitters, no conflicts (2 of 4 stars). 5 submissions from 5 submitters: Benign (1); Likely benign (3). 1 of the submissions does not count toward it. Last evaluated 2026-01-28.

Conditions:
Fanconi anemia complementation group E (FANCE). Also called: FANCE-Related Fanconi Anemia. Identifiers: Orphanet 84, MedGen C3160739, MONDO:0010953, OMIM 600901.

Allele frequency attached by ClinVar (database versions not stated): gnomAD 0.00004 and 0.00023; TOPMed 0.00009; 1000 Genomes Project 30x 0.00078; 1000 Genomes Project 0.00100.
gnomAD v4.1: 801 of 1,614,156 alleles (0.05%); highest among the groups gnomAD compares: East Asian, 1.7%; 16 homozygotes.

Submissions (5):

Labcorp Genetics (formerly Invitae), Labcorp
Classification: Benign for Fanconi anemia complementation group E. Last evaluated: 2026-01-28. Review status: criteria provided, single submitter. Criteria: Invitae Variant Classification Sherloc (09022015). Collection method: clinical testing. Allele origin: germline.

Blueprint Genetics
Classification: Likely benign. Last evaluated: 2024-11-22. Review status: criteria provided, single submitter. Criteria: ACMG Guidelines, 2015. Collection method: clinical testing. Allele origin: germline.

Illumina Laboratory Services, Illumina
Classification: Likely benign for Fanconi anemia complementation group E. Last evaluated: 2018-01-12. Review status: criteria provided, single submitter. Criteria: ICSL Variant Classification Criteria 13 December 2019. Collection method: clinical testing. Allele origin: germline.
Comment: This variant was observed in the ICSL laboratory as part of a predisposition screen in an ostensibly healthy population. It had not been previously curated by ICSL or reported in the Human Gene Mutation Database (HGMD: prior to June 1st, 2018), and was therefore a candidate for classification through an automated scoring system. Utilizing variant allele frequency, disease prevalence and penetrance estimates, and inheritance mode, an automated score was calculated to assess if this variant is too frequent to cause the disease. Based on the score and internal cut-off values, a variant classified as likely benign is not then subjected to further curation. The score for this variant resulted in a classification of likely benign for this disease.

Breakthrough Genomics
Classification: Likely benign. Review status: criteria provided, single submitter. Criteria: ACMG Guidelines, 2015. Collection method: not provided. Allele origin: germline. Inheritance: Autosomal recessive inheritance. Affected: yes.

ITMI
No classification provided. Condition: AllHighlyPenetrant. Last evaluated: 2013-09-19. Review status: no classification provided. Collection method: reference population. Allele origin: germline. Not counted in ClinVar's aggregate classification.
Comment: Please see associated publication for description of ethnicities

Literature cited by the submitters: PubMed 24728327 (cited by ITMI).